The following is an entry in ClinVar:

ClinVar aggregate classification (germline): Conflicting classifications of pathogenicity. Review status: criteria provided, conflicting classifications (1 of 4 stars). 6 submissions from 6 submitters: Uncertain significance (2); Benign (2); Likely benign (2). Last evaluated 2026-05-01.

Conditions:
Microcephaly 1, primary, autosomal recessive (MCPH1). Also called: PREMATURE CHROMOSOME CONDENSATION SYNDROME; PCC SYNDROME; PREMATURE CHROMOSOME CONDENSATION WITH MICROCEPHALY AND MENTAL RETARDATION. Identifiers: Orphanet 2512, MedGen C1855081, MONDO:0009617, OMIM 251200.

Allele frequency attached by ClinVar (database versions not stated): 1000 Genomes Project 30x 0.00031; 1000 Genomes Project 0.00040; ESP Exome Variant Server 0.00123; TOPMed 0.00135; gnomAD 0.00166 and 0.00169.
gnomAD v4.1: 3,681 of 1,613,932 alleles (0.23%); highest among the groups gnomAD compares: Non-Finnish European, 0.28%; 13 homozygotes.

Submissions (6):

CeGaT Center for Human Genetics Tuebingen
Classification: Likely benign. Last evaluated: 2026-05-01. Review status: criteria provided, single submitter. Criteria: CeGaT Center For Human Genetics Tuebingen Variant Classification Criteria Version 2. Collection method: clinical testing. Allele origin: germline. Affected: yes. Observed: 1 variant allele.
Comment: MCPH1: BS2

Labcorp Genetics (formerly Invitae), Labcorp
Classification: Benign. Last evaluated: 2026-01-24. Review status: criteria provided, single submitter. Criteria: Invitae Variant Classification Sherloc (09022015). Collection method: clinical testing. Allele origin: germline.

Blueprint Genetics
Classification: Likely benign. Last evaluated: 2024-11-26. Review status: criteria provided, single submitter. Criteria: ACMG Guidelines, 2015. Collection method: clinical testing. Allele origin: germline.

Athena Diagnostics
Classification: Benign. Last evaluated: 2024-11-13. Review status: criteria provided, single submitter. Criteria: Athena Diagnostics Criteria. Collection method: clinical testing. Allele origin: unknown.

Illumina Laboratory Services, Illumina
Classification: Uncertain significance for Microcephaly 1, primary, autosomal recessive. Last evaluated: 2018-01-13. Review status: criteria provided, single submitter. Criteria: ICSL Variant Classification Criteria 13 December 2019. Collection method: clinical testing. Allele origin: germline.

Genetic Services Laboratory, University of Chicago
Classification: Uncertain significance for Microcephaly 1, primary, autosomal recessive. Last evaluated: 2013-03-04. Review status: criteria provided, single submitter. Criteria: ACMG Guidelines, 2007. Collection method: clinical testing. Allele origin: germline. Inheritance: Autosomal recessive inheritance.

Literature cited by the submitters: PubMed 20949544 (cited by Athena Diagnostics).

NM_024596.5(MCPH1):c.2466G>A (p.Gln822=)

Genes: MCPH1 (microcephalin 1; plus strand), MCPH1-AS1 (MCPH1 antisense RNA 1; minus strand). Cytogenetic location: 8p23.1.
Variant type: single nucleotide variant.
Coding change: c.2466G>A on transcript NM_024596.5 (MANE Select); coding-DNA position 2466, G replaced by A.
Protein change: p.Gln822=; no amino-acid change (glutamine 822 retained).
Molecular consequence: synonymous variant. On other transcripts: missense variant (1).
Genome position (GRCh38, 1-based): chr8:6,643,007, G>A. VCF-style: chr8-6643007-G-A. GRCh37 (hg19) VCF-style: chr8-6500528-G-A.
Other names: c.2608G>A, p.Ala870Thr (NM_001322042.2); c.2187G>A, p.Gln729= (NM_001363980.2); short protein forms A870T.
Identifiers: ClinVar variation 158864 (VCV000158864.22), dbSNP rs35614690, ClinGen allele CA271707.
Genomic context (GRCh38, chr8:6,643,007, plus strand): 5'-GTGGCTGGCTATTATGAATGCTAAACTGCTTTTCGCTCTCTCTCTAGATTCCATCACCCA[G>A]CACAAGGTCTGTGCCCCTGAAAACTACCTATTGTCACAATGACAGTGACCTCACTGGCCT-3'
Protein context (NP_078872.3, residues 812-832): SEKWVLDSIT[Gln822=]HKVCAPENYL